The following is an entry in ClinVar:

NM_006767.4(LZTR1):c.1615+2T>G

Gene: LZTR1 (leucine zipper like post translational regulator 1; plus strand). Cytogenetic location: 22q11.21.
Variant type: single nucleotide variant.
Coding change: c.1615+2T>G on transcript NM_006767.4 (MANE Select); the canonical splice donor site of the intron after coding-DNA position 1615, T replaced by G.
Molecular consequence: splice donor variant.
Genome position (GRCh38, 1-based): chr22:20,994,271, T>G. VCF-style: chr22-20994271-T-G. GRCh37 (hg19) VCF-style: chr22-21348560-T-G.
Other names: c.1615+2T>G (NM_006767.3).
Identifiers: ClinVar variation 3690713 (VCV003690713.3).

ClinVar aggregate classification (germline): Likely pathogenic. Review status: criteria provided, multiple submitters, no conflicts (2 of 4 stars). 2 submissions from 2 submitters: Likely pathogenic (2). Last evaluated 2025-07-23.

Conditions:
Hereditary cancer-predisposing syndrome. Also called: Tumor predisposition; Neoplastic Syndromes, Hereditary; Hereditary Cancer Syndrome; Hereditary neoplastic syndrome. Identifiers: Orphanet 140162, MedGen C0027672, MeSH D009386, MONDO:0015356.
Cardiovascular phenotype. Identifiers: MedGen CN230736.

Submissions (2):

Labcorp Genetics (formerly Invitae), Labcorp
Classification: Likely pathogenic. Last evaluated: 2025-07-23. Review status: criteria provided, single submitter. Criteria: Invitae Variant Classification Sherloc (09022015). Collection method: clinical testing. Allele origin: germline.
Comment: This sequence change affects a donor splice site in intron 14 of the LZTR1 gene. It is expected to disrupt RNA splicing. Variants that disrupt the donor or acceptor splice site typically lead to a loss of protein function (PMID: 16199547), and loss-of-function variants in LZTR1 are known to be pathogenic (PMID: 24362817, 25335493, 25480913, 25795793, 29469822, 30368668, 30442762, 30442766, 30481304, 30859559). This variant is not present in population databases (gnomAD no frequency). This variant has not been reported in the literature in individuals affected with LZTR1-related conditions. ClinVar contains an entry for this variant (Variation ID: 3690713). Algorithms developed to predict the effect of sequence changes on RNA splicing suggest that this variant may disrupt the consensus splice site. In summary, the currently available evidence indicates that the variant is pathogenic, but additional data are needed to prove that conclusively. Therefore, this variant has been classified as Likely Pathogenic.

Ambry Genetics
Classification: Likely pathogenic for Cardiovascular phenotype; Hereditary cancer-predisposing syndrome. Last evaluated: 2025-02-18. Review status: criteria provided, single submitter. Criteria: Ambry Variant Classification Scheme 2023. Collection method: clinical testing. Allele origin: germline.
Comment: The c.1615+2T>G intronic variant results from a T to G substitution two nucleotides after coding exon 14 in the LZTR1 gene. This variant is considered to be rare based on population cohorts in the Genome Aggregation Database (gnomAD). This nucleotide position is highly conserved in available vertebrate species. In silico splice site analysis predicts that this alteration will weaken the native splice donor site. Alterations that disrupt the canonical splice site are expected to cause aberrant splicing, resulting in an abnormal protein or a transcript that is subject to nonsense-mediated mRNA decay. Loss-of-function variants in LZTR1 are related to an increased risk for schwannomas and autosomal recessive Noonan syndrome; however, such associations with autosomal dominant Noonan syndrome have not been observed (Piotrowski A et al. Nat Genet. 2014 Feb;46:182-7; Yamamoto GL et al. J Med Genet. 2015 Jun;52:413-21; Johnston JJ et al. Genet Med. 2018 10;20:1175-1185). Based on the supporting evidence, this variant is likely pathogenic for an increased risk of LZTR1-related schwannomatosis (SWN) and would be expected to cause autosomal recessive Noonan syndrome when present along with a second pathogenic or likely pathogenic variant on the other allele; however, the association of this alteration with autosomal dominant Noonan syndrome is unlikely.

Literature cited by the submitters: PubMed 16199547 (cited by Labcorp Genetics (formerly Invitae), Labcorp); PubMed 24362817 (cited by Labcorp Genetics (formerly Invitae), Labcorp); PubMed 25335493 (cited by Labcorp Genetics (formerly Invitae), Labcorp); PubMed 25480913 (cited by Labcorp Genetics (formerly Invitae), Labcorp); PubMed 25795793 (cited by Labcorp Genetics (formerly Invitae), Labcorp); PubMed 29469822 (cited by Labcorp Genetics (formerly Invitae), Labcorp); PubMed 30368668 (cited by Labcorp Genetics (formerly Invitae), Labcorp); PubMed 30442762 (cited by Labcorp Genetics (formerly Invitae), Labcorp); PubMed 30442766 (cited by Labcorp Genetics (formerly Invitae), Labcorp); PubMed 30481304 (cited by Labcorp Genetics (formerly Invitae), Labcorp); PubMed 30859559 (cited by Labcorp Genetics (formerly Invitae), Labcorp).